The following is an entry in ClinVar:

NM_000284.4(PDHA1):c.95A>G (p.Asn32Ser)

Gene: PDHA1 (pyruvate dehydrogenase E1 subunit alpha 1; plus strand). Cytogenetic location: Xp22.12.
Variant type: single nucleotide variant.
Coding change: c.95A>G on transcript NM_000284.4 (MANE Select); coding-DNA position 95, A replaced by G.
Protein change: p.Asn32Ser; replaces asparagine 32 with serine.
Molecular consequence: missense variant.
Genome position (GRCh38, 1-based): chrX:19,349,349, A>G. VCF-style: chrX-19349349-A-G. GRCh37 (hg19) VCF-style: chrX-19367467-A-G.
Other names: c.209A>G, p.Asn70Ser (NM_001173454.2); c.95A>G, p.Asn32Ser (NM_001173455.2, NM_001173456.2); short protein forms N32S, N70S.
Identifiers: ClinVar variation 4772754 (VCV004772754.1).
Genomic context (GRCh38, chrX:19,349,349, plus strand): 5'-TTTGTATATTTTTGTCTTTTAAGGCAAGCAGAGTGCTGGTAGCATCCCGTAATTTTGCAA[A>G]TGATGCTACATTTGAAATTAAGGTAAGAGGTGTTTTACTTTGTTAATAATTTTTTCACAG-3'
Protein context (NP_000275.1, residues 22-42): RVLVASRNFA[Asn32Ser]DATFEIKKCD

ClinVar aggregate classification (germline): Uncertain significance (1 of 4 stars; one submission).

Conditions:
Pyruvate dehydrogenase E1-alpha deficiency (PDHAD). Also called: ATAXIA, INTERMITTENT, WITH PYRUVATE DEHYDROGENASE DEFICIENCY; ATAXIA WITH LACTIC ACIDOSIS I; ATAXIA, INTERMITTENT, WITH ABNORMAL PYRUVATE METABOLISM; Ataxia, intermittent, with pyruvate dehydrogenase, or decarboxylase, deficiency. Identifiers: Orphanet 79243, MedGen C1839413, MONDO:0010717, OMIM 312170.

gnomAD v4.1: 2 of 1,176,978 alleles (0.00017%); highest among the groups gnomAD compares: South Asian, 0.0018%; no homozygotes.

Submission:

Labcorp Genetics (formerly Invitae), Labcorp
Classification: Uncertain significance for Pyruvate dehydrogenase E1-alpha deficiency. Last evaluated: 2026-01-23. Review status: criteria provided, single submitter. Criteria: Invitae Variant Classification Sherloc (09022015). Collection method: clinical testing. Allele origin: germline.
Comment: This sequence change replaces asparagine, which is neutral and polar, with serine, which is neutral and polar, at codon 32 of the PDHA1 protein (p.Asn32Ser). This variant is present in population databases (no rsID available, gnomAD 0.005%). This variant has not been reported in the literature in individuals affected with PDHA1-related conditions. Invitae Evidence Modeling of protein sequence and biophysical properties (such as structural, functional, and spatial information, amino acid conservation, physicochemical variation, residue mobility, and thermodynamic stability) has been performed for this missense variant. However, the output from this modeling did not meet the statistical confidence thresholds required to predict the impact of this variant on PDHA1 protein function. In summary, the available evidence is currently insufficient to determine the role of this variant in disease. Therefore, it has been classified as a Variant of Uncertain Significance.